The following is an entry in ClinVar:

NM_020822.3(KCNT1):c.1122G>T (p.Val374=)

Gene: KCNT1 (potassium sodium-activated channel subfamily T member 1; plus strand). Cytogenetic location: 9q34.3.
Variant type: single nucleotide variant.
Coding change: c.1122G>T on transcript NM_020822.3 (MANE Select); coding-DNA position 1122, G replaced by T.
Protein change: p.Val374=; no amino-acid change (valine 374 retained).
Molecular consequence: synonymous variant.
Genome position (GRCh38, 1-based): chr9:135,765,117, G>T. VCF-style: chr9-135765117-G-T. GRCh37 (hg19) VCF-style: chr9-138656963-G-T.
Other names: c.987G>T, p.Val329= (NM_001272003.2).
Identifiers: ClinVar variation 388056 (VCV000388056.11), dbSNP rs774643792, ClinGen allele CA5326777.

ClinVar aggregate classification (germline): Likely benign. Review status: criteria provided, multiple submitters, no conflicts (2 of 4 stars). 4 submissions from 3 submitters: Likely benign (4). Last evaluated 2025-07-13.

Conditions:
Developmental and epileptic encephalopathy, 14 (DEE14). Also called: Early infantile epileptic encephalopathy 14. Identifiers: Orphanet 293181, MedGen C3554195, MONDO:0013989, OMIM 614959.
Autosomal dominant nocturnal frontal lobe epilepsy 5. Also called: KCNT1-Related Epilepsy; CILIARY DYSKINESIA, PRIMARY, 28, WITHOUT SITUS INVERSUS; CILIARY DYSKINESIA, PRIMARY, 28, WITH SITUS INVERSUS; Epilepsy, nocturnal frontal lobe, 5. Identifiers: Orphanet 98784, MedGen C3554306, MONDO:0014002, OMIM 615005.

Allele frequency attached by ClinVar (database versions not stated): TOPMed 0.00002; gnomAD 0.00003.
gnomAD v4.1: 39 of 1,613,428 alleles (0.0024%); highest among the groups gnomAD compares: Non-Finnish European, 0.0032%; no homozygotes.

Submissions (4):

Labcorp Genetics (formerly Invitae), Labcorp
Classification: Likely benign for Autosomal dominant nocturnal frontal lobe epilepsy 5; Developmental and epileptic encephalopathy, 14. Last evaluated: 2025-07-13. Review status: criteria provided, single submitter. Criteria: Invitae Variant Classification Sherloc (09022015). Collection method: clinical testing. Allele origin: germline.

Genome-Nilou Lab
Classification: Likely benign for Developmental and epileptic encephalopathy, 14. Last evaluated: 2022-03-15. Review status: criteria provided, single submitter. Criteria: ACMG Guidelines, 2015. Collection method: clinical testing. Allele origin: germline. Affected: no.

Genome-Nilou Lab
Classification: Likely benign for Autosomal dominant nocturnal frontal lobe epilepsy 5. Last evaluated: 2022-03-15. Review status: criteria provided, single submitter. Criteria: ACMG Guidelines, 2015. Collection method: clinical testing. Allele origin: germline. Affected: no.

GeneDx
Classification: Likely benign. Last evaluated: 2016-08-01. Review status: criteria provided, single submitter. Criteria: GeneDx Variant Classification (06012015). Collection method: clinical testing. Allele origin: germline. Affected: yes.
Comment: This variant is considered likely benign or benign based on one or more of the following criteria: it is a conservative change, it occurs at a poorly conserved position in the protein, it is predicted to be benign by multiple in silico algorithms, and/or has population frequency not consistent with disease.